The following is an entry in ClinVar:

NM_001256012.3(MYH10):c.5785G>A (p.Ala1929Thr)

Genes: MYH10 (myosin heavy chain 10; minus strand), LOC125177414 (Sharpr-MPRA regulatory region 9669; plus strand). Cytogenetic location: 17p13.1.
Variant type: single nucleotide variant.
Coding change: c.5785G>A on transcript NM_001256012.3 (MANE Select); coding-DNA position 5785, G replaced by A.
Protein change: p.Ala1929Thr; replaces alanine 1929 with threonine.
Molecular consequence: missense variant.
Genome position (GRCh38, 1-based): chr17:8,476,970, C>T on the plus strand (G>A on the coding strand, the complement: MYH10 is on the minus strand). VCF-style: chr17-8476970-C-T. GRCh37 (hg19) VCF-style: chr17-8380288-C-T.
Other names: c.5719G>A, p.Ala1907Thr (NM_001256095.2); c.5722G>A, p.Ala1908Thr (NM_001375266.1); c.5692G>A, p.Ala1898Thr (NM_005964.5); short protein forms A1898T, A1907T, A1908T, A1929T.
Identifiers: ClinVar variation 4996735 (VCV004996735.1).
Genomic context (GRCh38, chr17:8,476,970, plus strand): 5'-TCAGGCCCTCGTTGGCCTCGGTGGCATCATCCAGTTCCCGCTGGAGTTTACGCCGAGATG[C>T]GTTGGCACGCGTCGCTTCTTCTTCTGCTTCCTCCAGCTGGCGTTTAAGCTGCTTCATCCG-3'
Protein context (NP_001242941.1, residues 1919-1939): EAEEEATRAN[Ala1929Thr]SRRKLQRELD

ClinVar aggregate classification (germline): Uncertain significance (1 of 4 stars; one submission).

Conditions:
MYH10-related disorder. Also called: MYH10-related condition.

gnomAD v4.1: 7 of 1,613,986 alleles (0.00043%); highest among the groups gnomAD compares: East Asian, 0.0022%; no homozygotes.

Submission:

PreventionGenetics, part of Exact Sciences
Classification: Uncertain significance for MYH10-related condition. Last evaluated: 2026-05-28. Review status: criteria provided, single submitter. Criteria: ACMG Guidelines, 2015. Collection method: clinical testing. Allele origin: germline.
Comment: The MYH10 c.5785G>A variant is predicted to result in the amino acid substitution p.Ala1929Thr. To our knowledge, this variant has not been reported in the literature or in a large population database (gnomAD), indicating this variant is rare. At this time, the clinical significance of this variant is uncertain due to the absence of conclusive functional and genetic evidence.